The following is an entry in ClinVar:

NM_003072.5(SMARCA4):c.3443A>C (p.Glu1148Ala)

Gene: SMARCA4 (SWI/SNF related BAF chromatin remodeling complex subunit ATPase 4; plus strand). Cytogenetic location: 19p13.2.
Variant type: single nucleotide variant.
Coding change: c.3443A>C on transcript NM_003072.5 (MANE Select); coding-DNA position 3443, A replaced by C.
Protein change: p.Glu1148Ala; replaces glutamic acid 1148 with alanine.
Molecular consequence: missense variant. On other transcripts: non-coding transcript variant (1).
Genome position (GRCh38, 1-based): chr19:11,030,790, A>C. VCF-style: chr19-11030790-A-C. GRCh37 (hg19) VCF-style: chr19-11141466-A-C.
Other names: c.3443A>C, p.Glu1148Ala (NM_001128844.3, NM_001128845.2, NM_001128846.2 and 6 more transcripts); short protein forms E1148A.
Identifiers: ClinVar variation 4802577 (VCV004802577.1).
Genomic context (GRCh38, chr19:11,030,790, plus strand): 5'-GAACCACGAAGGCGGAGGACCGGGGCATGCTGCTGAAAACCTTCAACGAGCCCGGCTCTG[A>C]GTACTTCATCTTCCTGCTCAGCACCCGGGCTGGGGGGCTCGGCCTGAACCTCCAGTCGGC-3'
Protein context (NP_003063.2, residues 1138-1158): LLKTFNEPGS[Glu1148Ala]YFIFLLSTRA

ClinVar aggregate classification (germline): Uncertain significance (1 of 4 stars; one submission).

Conditions:
Rhabdoid tumor predisposition syndrome 2 (RTPS2). Identifiers: Orphanet 231108, Orphanet 69077, MedGen C2750074, MONDO:0013224, OMIM 613325.

Submission:

Labcorp Genetics (formerly Invitae), Labcorp
Classification: Uncertain significance for Rhabdoid tumor predisposition syndrome 2. Last evaluated: 2025-05-04. Review status: criteria provided, single submitter. Criteria: Invitae Variant Classification Sherloc (09022015). Collection method: clinical testing. Allele origin: germline.
Comment: This sequence change replaces glutamic acid, which is acidic and polar, with alanine, which is neutral and non-polar, at codon 1148 of the SMARCA4 protein (p.Glu1148Ala). This variant is not present in population databases (gnomAD no frequency). This variant has not been reported in the literature in individuals affected with SMARCA4-related conditions. Invitae Evidence Modeling of protein sequence and biophysical properties (such as structural, functional, and spatial information, amino acid conservation, physicochemical variation, residue mobility, and thermodynamic stability) indicates that this missense variant is not expected to disrupt SMARCA4 protein function with a negative predictive value of 80%. In summary, the available evidence is currently insufficient to determine the role of this variant in disease. Therefore, it has been classified as a Variant of Uncertain Significance.